The following is an entry in ClinVar:

ClinVar aggregate classification (germline): Pathogenic/Likely pathogenic. Review status: criteria provided, multiple submitters, no conflicts (2 of 4 stars). 2 submissions from 2 submitters: Pathogenic (1); Likely pathogenic (1). Last evaluated 2023-12-25.

Conditions:
Bloom syndrome (BLM). Also called: Bloom-Torre-Machacek syndrome. Identifiers: Orphanet 125, MedGen C0005859, MONDO:0008876, OMIM 210900.

Submissions (2):

Baylor Genetics
Classification: Likely pathogenic for Bloom syndrome. Last evaluated: 2023-12-25. Review status: criteria provided, single submitter. Criteria: ACMG Guidelines, 2015. Collection method: clinical testing. Allele origin: unknown.

Labcorp Genetics (formerly Invitae), Labcorp
Classification: Pathogenic for Bloom syndrome. Last evaluated: 2022-06-22. Review status: criteria provided, single submitter. Criteria: Invitae Variant Classification Sherloc (09022015). Collection method: clinical testing. Allele origin: germline.
Comment: For these reasons, this variant has been classified as Pathogenic. This variant has not been reported in the literature in individuals affected with BLM-related conditions. This variant is not present in population databases (gnomAD no frequency). This sequence change creates a premature translational stop signal (p.Thr477Argfs*11) in the BLM gene. It is expected to result in an absent or disrupted protein product. Loss-of-function variants in BLM are known to be pathogenic (PMID: 17407155).

Literature cited by the submitters: PubMed 17407155 (cited by Labcorp Genetics (formerly Invitae), Labcorp).

NM_000057.4(BLM):c.1430_1431del (p.Thr477fs)

Gene: BLM (BLM RecQ like helicase; plus strand). Cytogenetic location: 15q26.1.
Variant type: Deletion.
Coding change: c.1430_1431del on transcript NM_000057.4 (MANE Select); coding-DNA positions 1430 to 1431, 2 bases deleted (CA; older notation c.1430_1431delCA).
Protein change: p.Thr477fs; shifts the reading frame from threonine 477.
Molecular consequence: frameshift variant.
Genome position (GRCh38, 1-based): chr15:90,760,803-90,760,804, CA deleted; deleting any 2 consecutive bases within chr15:90,760,802-90,760,804 gives the same sequence; the c. name uses the placement nearest the transcript's 3' end. VCF-style (leftmost placement, unchanged base first): chr15-90760801-GAC-G. GRCh37 (hg19) VCF-style: chr15-91304031-GAC-G.
Other names: c.1430_1431del, p.Thr477fs (NM_001287246.2, NM_001287247.2); c.305_306del, p.Thr102fs (NM_001287248.2); short protein forms T102fs, T477fs.
Identifiers: ClinVar variation 2009072 (VCV002009072.5), dbSNP rs2505425503, ClinGen allele CA2580090376.